The following is an entry in ClinVar:

NM_000179.3(MSH6):c.2067del (p.Tyr690fs)

Gene: MSH6 (mutS homolog 6; plus strand). Cytogenetic location: 2p16.3.
Variant type: Deletion.
Coding change: c.2067del on transcript NM_000179.3 (MANE Select); coding-DNA position 2067, one base deleted (C; older notation c.2067delC).
Protein change: p.Tyr690fs; shifts the reading frame from tyrosine 690.
Molecular consequence: frameshift variant.
Genome position (GRCh38, 1-based): chr2:47,800,050, C deleted. VCF-style (leftmost placement, unchanged base first): chr2-47800049-TC-T. GRCh37 (hg19) VCF-style: chr2-48027188-TC-T.
Other names: c.1677del, p.Tyr560fs (NM_001281492.2); c.1161del, p.Tyr388fs (NM_001281493.2, NM_001281494.2); c.2163delC, p.Tyr722Thrfs (NM_001406795.1, NM_001406802.1); c.2067delC, p.Tyr690Thrfs (NM_001406796.1, NM_001406798.1, NM_001406800.1 and 3 more transcripts); c.1770delC, p.Tyr591Thrfs (NM_001406797.1, NM_001406801.1, NM_001406805.1 and 10 more transcripts); c.1542delC, p.Tyr515Thrfs (NM_001406799.1, NM_001406806.1, NM_001406807.1); c.1989delC, p.Tyr664Thrfs (NM_001406804.1); c.1161delC, p.Tyr388Thrfs (NM_001406811.1, NM_001406812.1, NM_001406814.1 and 4 more transcripts); and 2 more; short protein forms Y388fs, Y560fs, Y690fs.
Identifiers: ClinVar variation 2431266 (VCV002431266.1), dbSNP rs2530648428, ClinGen allele CA2580067753.

ClinVar aggregate classification (germline): Pathogenic (1 of 4 stars; one submission).

Conditions:
Lynch syndrome 5 (LYNCH5). Also called: Colorectal cancer, hereditary nonpolyposis, type 5; Hereditary non-polyposis colorectal cancer, type 5. Identifiers: Orphanet 144, MedGen C1833477, MONDO:0013710, OMIM 614350. Disease mechanism: loss of function.

Submission:

Myriad Genetics, Inc.
Classification: Pathogenic for Lynch syndrome 5. Last evaluated: 2023-01-12. Review status: criteria provided, single submitter. Criteria: Myriad Autosomal Dominant, Autosomal Recessive and X-Linked Classification Criteria (2023). Collection method: clinical testing. Allele origin: unknown.
Comment: This variant is considered pathogenic. This variant creates a frameshift predicted to result in premature protein truncation.